The following is an entry in ClinVar:

ClinVar aggregate classification (germline): Uncertain significance (1 of 4 stars; one submission).

gnomAD v4.1: 15 of 1,613,446 alleles (0.00093%); highest among the groups gnomAD compares: African/African-American, 0.0027%; no homozygotes.

Submission:

Labcorp Genetics (formerly Invitae), Labcorp
Classification: Uncertain significance. Last evaluated: 2021-08-28. Review status: criteria provided, single submitter. Criteria: Invitae Variant Classification Sherloc (09022015). Collection method: clinical testing. Allele origin: germline.
Comment: This sequence change replaces methionine with valine at codon 70 of the EFL1 protein (p.Met70Val). The methionine residue is moderately conserved and there is a small physicochemical difference between methionine and valine. The frequency data for this variant in the population databases is considered unreliable, as metrics indicate poor data quality at this position in the ExAC database. This variant has not been reported in the literature in individuals affected with EFL1-related conditions. Algorithms developed to predict the effect of missense changes on protein structure and function are either unavailable or do not agree on the potential impact of this missense change (SIFT: "Deleterious"; PolyPhen-2: "Probably Damaging"; Align-GVGD: "Class C0"). In summary, the available evidence is currently insufficient to determine the role of this variant in disease. Therefore, it has been classified as a Variant of Uncertain Significance.

NM_024580.6(EFL1):c.208A>G (p.Met70Val)

Gene: EFL1 (elongation factor like GTPase 1; minus strand). Cytogenetic location: 15q25.2.
Variant type: single nucleotide variant.
Coding change: c.208A>G on transcript NM_024580.6 (MANE Select); coding-DNA position 208, A replaced by G.
Protein change: p.Met70Val; replaces methionine 70 with valine.
Molecular consequence: missense variant. On other transcripts: non-coding transcript variant (1), intron variant (2).
Genome position (GRCh38, 1-based): chr15:82,252,727, T>C on the plus strand (A>G on the coding strand, the complement: EFL1 is on the minus strand). VCF-style: chr15-82252727-T-C. GRCh37 (hg19) VCF-style: chr15-82545068-T-C.
Other names: c.208A>G, p.Met70Val (NM_001322845.2); c.91+8961A>G (NM_001040610.3); c.-546+6361A>G (NM_001322844.2); short protein forms M70V.
Identifiers: ClinVar variation 1053390 (VCV001053390.6), dbSNP rs746154488, ClinGen allele CA7698351.
Genomic context (GRCh38, chr15:82,252,727, plus strand): 5'-TCGTTAAAACACAGACTGATTTACCTGTTGCATAATGTAGGGAAATGGCACTGGATTTCA[T>C]AGTGATCCCTCGGATCTGTTCATCTTCTCTGCTGTCCATGTACCTTAACTGGAAAAATGC-3'
Protein context (NP_078856.4, residues 60-80): REDEQIRGIT[Met70Val]KSSAISLHYA